The following is an entry in ClinVar:

NM_012472.6(DNAAF11):c.183T>G (p.Asn61Lys)

Gene: DNAAF11 (dynein axonemal assembly factor 11; minus strand). Cytogenetic location: 8q24.22.
Variant type: single nucleotide variant.
Coding change: c.183T>G on transcript NM_012472.6 (MANE Select); coding-DNA position 183, T replaced by G.
Protein change: p.Asn61Lys; replaces asparagine 61 with lysine.
Molecular consequence: missense variant. On other transcripts: 5 prime UTR variant (4), non-coding transcript variant (7), intron variant (1).
Genome position (GRCh38, 1-based): chr8:132,656,903, A>C on the plus strand (T>G on the coding strand, the complement: DNAAF11 is on the minus strand). VCF-style: chr8-132656903-A-C. GRCh37 (hg19) VCF-style: chr8-133669149-A-C.
Other names: c.183T>G, p.Asn61Lys (NM_001321961.2); c.-178T>G (NM_001321963.2, NM_001321964.2, NM_001321966.2); c.-491T>G (NM_001321965.2); c.10+18581T>G (NM_001321962.2); short protein forms N61K.
Identifiers: ClinVar variation 3382932 (VCV003382932.3).

ClinVar aggregate classification (germline): Pathogenic/Likely pathogenic. Review status: criteria provided, multiple submitters, no conflicts (2 of 4 stars). 2 submissions from 2 submitters: Pathogenic (1); Likely pathogenic (1). Last evaluated 2025-06-10.

Conditions:
Primary ciliary dyskinesia 19. Also called: CILIARY DYSKINESIA, PRIMARY, 19, WITH OR WITHOUT SITUS INVERSUS. Identifiers: Orphanet 244, MedGen C3543826, MONDO:0013979, OMIM 614935.

gnomAD v4.1: 1 of 1,244,534 alleles (0.00008%); highest among the groups gnomAD compares: African/African-American, 0.0015%; no homozygotes.

Submissions (2):

Labcorp Genetics (formerly Invitae), Labcorp
Classification: Pathogenic for Primary ciliary dyskinesia 19. Last evaluated: 2025-06-10. Review status: criteria provided, single submitter. Criteria: Invitae Variant Classification Sherloc (09022015). Collection method: clinical testing. Allele origin: germline.
Comment: This sequence change replaces asparagine, which is neutral and polar, with lysine, which is basic and polar, at codon 61 of the LRRC6 protein (p.Asn61Lys). This variant is present in population databases (rs771236508, gnomAD 0.01%). This missense change has been observed in individual(s) with primary ciliary dyskinesia (PMID: 29429202, 29511670). In at least one individual the data is consistent with being in trans (on the opposite chromosome) from a pathogenic variant. ClinVar contains an entry for this variant (Variation ID: 3382932). Invitae Evidence Modeling of protein sequence and biophysical properties (such as structural, functional, and spatial information, amino acid conservation, physicochemical variation, residue mobility, and thermodynamic stability) indicates that this missense variant is expected to disrupt LRRC6 protein function with a positive predictive value of 80%. For these reasons, this variant has been classified as Pathogenic.

Juno Genomics, Hangzhou Juno Genomics, Inc
Classification: Likely pathogenic for Primary ciliary dyskinesia 19. Review status: criteria provided, single submitter. Criteria: ACMG Guidelines, 2015. Collection method: clinical testing. Allele origin: germline. Affected: yes.
Comment: Absent from controls (or at extremely low frequency if recessive) in Genome Aggregation Database, Exome Sequencing Project, 1000 Genomes Project, or Exome Aggregation Consortium.;For recessive disorders, detected in trans with a pathogenic variant.;Patient's phenotype or family history is highly specific for a disease with a single genetic etiology.

Literature cited by the submitters: PubMed 29429202 (cited by Labcorp Genetics (formerly Invitae), Labcorp); PubMed 29511670 (cited by Labcorp Genetics (formerly Invitae), Labcorp).